The following is an entry in ClinVar:

NM_181882.3(PRX):c.1578_1601dup (p.Lys529_Met536dup)

Gene: PRX (periaxin; minus strand). Cytogenetic location: 19q13.2.
Variant type: Duplication.
Coding change: c.1578_1601dup on transcript NM_181882.3 (MANE Select); coding-DNA positions 1578 to 1601, 24 bases duplicated (GGAGATGAAACTCCCAAAGGTGCC).
Protein change: p.Lys529_Met536dup.
Molecular consequence: inframe insertion. On other transcripts: 3 prime UTR variant (1).
Genome position (GRCh38, 1-based): chr19:40,396,751-40,396,774, GGCACCTTTGGGAGTTTCATCTCC duplicated on the plus strand (GGAGATGAAACTCCCAAAGGTGCC on the coding strand, the reverse complement: PRX is on the minus strand); duplicating any 24 consecutive bases within chr19:40,396,751-40,396,775 gives the same sequence; the c. name uses the placement nearest the transcript's 3' end. VCF-style (leftmost placement, unchanged base first): chr19-40396750-T-TGGCACCTTTGGGAGTTTCATCTCC. GRCh37 (hg19) VCF-style: chr19-40902657-T-TGGCACCTTTGGGAGTTTCATCTCC.
Other names: p.Lys529_Met536dup; c.1578_1601dupGGAGATGAAACTCCCAAAGGTGCC (NM_181882.2); c.*1783_*1806dup (NM_020956.2).
Identifiers: ClinVar variation 543404 (VCV000543404.12), dbSNP rs764208864, ClinGen allele CA9444233.
Genomic context (GRCh38, chr19:40,396,750, plus strand): 5'-CATCTCTGACACTTTCGGCAGCTGTACCTCTGGAAGCCGCACCTCCGGCACAGCCATCTC[T>TGGCACCTTTGGGAGTTTCATCTCC]GGCACCTTTGGGAGTTTCATCTCCGACACTTTCAGCAGCTGTACCTCTGGAAGCCGCACC-3'

ClinVar aggregate classification (germline): Uncertain significance. Review status: criteria provided, multiple submitters, no conflicts (2 of 4 stars). 3 submissions from 3 submitters: Uncertain significance (3). Last evaluated 2025-08-22.

Conditions:
Inborn genetic diseases. Identifiers: MedGen C0950123, MeSH D030342.
Charcot-Marie-Tooth disease type 4. Also called: Charcot-Marie-Tooth disease, type IV; Charcot-Marie-Tooth, Type 4. Identifiers: Orphanet 64749, MedGen C4082197, MONDO:0018995.

Submissions (3):

Mayo Clinic Laboratories, Mayo Clinic
Classification: Uncertain significance. Last evaluated: 2025-08-22. Review status: criteria provided, single submitter. Criteria: ACMG Guidelines, 2015. Collection method: clinical testing. Allele origin: germline. Observed: 1 variant allele.
Comment: PM2_supporting, PM4

Ambry Genetics
Classification: Uncertain significance for Inborn genetic diseases. Last evaluated: 2022-09-25. Review status: criteria provided, single submitter. Criteria: Ambry Variant Classification Scheme 2023. Collection method: clinical testing. Allele origin: germline.
Comment: The c.1578_1601dup24 variant (also known as p.M536_A537insEMKLPKVP), located in coding exon 4 of the PRX gene, results from an in-frame duplication of 24 nucleotides at nucleotide positions 1578 to 1601. This results in the insertion of 8 amino acid residues (glutamic acid, methionine, lysine, leucine, proline, lysine, valine, and proline) between codons 536 and 537. This amino acid region is not well conserved in available vertebrate species. In addition, this alteration is predicted to be neutral by in silico analysis (Choi Y et al. PLoS ONE. 2012; 7(10):e46688). Since supporting evidence is limited at this time, the clinical significance of this alteration remains unclear.

Labcorp Genetics (formerly Invitae), Labcorp
Classification: Uncertain significance for Charcot-Marie-Tooth disease type 4. Last evaluated: 2019-10-10. Review status: criteria provided, single submitter. Criteria: Invitae Variant Classification Sherloc (09022015). Collection method: clinical testing. Allele origin: germline.
Comment: This variant, c.1578_1601dup, results in the insertion of 8 amino acid(s) to the PRX protein (p.Lys529_Met536dup), but otherwise preserves the integrity of the reading frame. The frequency data for this variant in the population databases is considered unreliable, as metrics indicate poor data quality at this position in the ExAC database. This variant has not been reported in the literature in individuals with PRX-related conditions. ClinVar contains an entry for this variant (Variation ID: 543404). Algorithms developed to predict the effect of sequence changes on RNA splicing suggest that this variant may create or strengthen a splice site, but this prediction has not been confirmed by published transcriptional studies. In summary, the available evidence is currently insufficient to determine the role of this variant in disease. Therefore, it has been classified as a Variant of Uncertain Significance.